The following is an entry in ClinVar:

ClinVar aggregate classification (germline): Benign. Review status: criteria provided, multiple submitters, no conflicts (2 of 4 stars). 2 submissions from 2 submitters: Benign (2). Last evaluated 2018-06-14.

Allele frequency attached by ClinVar (database versions not stated): 1000 Genomes Project 30x 0.88335; TOPMed 0.88807; 1000 Genomes Project 0.89018; gnomAD 0.89528 and 0.90232.
gnomAD v4.1: 137,432 of 152,136 alleles (90%); highest among the groups gnomAD compares: East Asian, 100%; 63,646 homozygotes.

Submissions (2):

GeneDx
Classification: Benign. Last evaluated: 2018-06-14. Review status: criteria provided, single submitter. Criteria: GeneDx Variant Classification (06012015). Collection method: clinical testing. Allele origin: germline. Affected: yes.
Comment: This variant is considered likely benign or benign based on one or more of the following criteria: it is a conservative change, it occurs at a poorly conserved position in the protein, it is predicted to be benign by multiple in silico algorithms, and/or has population frequency not consistent with disease.

Breakthrough Genomics
Classification: Benign. Review status: criteria provided, single submitter. Criteria: ACMG Guidelines, 2015. Collection method: not provided. Allele origin: germline. Inheritance: Autosomal dominant inheritance. Affected: yes.

NM_004984.4(KIF5A):c.2993-217G>A

Gene: KIF5A (kinesin family member 5A; plus strand). Cytogenetic location: 12q13.3.
Variant type: single nucleotide variant.
Coding change: c.2993-217G>A on transcript NM_004984.4 (MANE Select); 217 bases into the intron before coding-DNA position 2993, G replaced by A.
Molecular consequence: intron variant.
Genome position (GRCh38, 1-based): chr12:57,582,385, G>A. VCF-style: chr12-57582385-G-A. GRCh37 (hg19) VCF-style: chr12-57976168-G-A.
Other names: c.2726-217G>A (NM_001354705.2).
Identifiers: ClinVar variation 682858 (VCV000682858.2), dbSNP rs809593, ClinGen allele CA16445418.